The following is an entry in ClinVar:

NM_003119.4(SPG7):c.1611C>G (p.His537Gln)

Gene: SPG7 (SPG7 matrix AAA peptidase subunit, paraplegin; plus strand). Cytogenetic location: 16q24.3.
Variant type: single nucleotide variant.
Coding change: c.1611C>G on transcript NM_003119.4 (MANE Select); coding-DNA position 1611, C replaced by G.
Protein change: p.His537Gln; replaces histidine 537 with glutamine.
Molecular consequence: missense variant.
Genome position (GRCh38, 1-based): chr16:89,548,061, C>G. VCF-style: chr16-89548061-C-G. GRCh37 (hg19) VCF-style: chr16-89614469-C-G.
Other names: c.1611C>G, p.His537Gln (NM_001363850.1); c.1611C>G (NM_003119.2); short protein forms H537Q.
Identifiers: ClinVar variation 1012416 (VCV001012416.44), dbSNP rs139952725, ClinGen allele CA8244282.
Genomic context (GRCh38, chr16:89,548,061, plus strand): 5'-AGGGGCTGACATCGCCAACATCTGCAATGAGGCTGCGCTGCACGCGGCGCGGGAGGGACA[C>G]ACTTCCGTGCACACTCTCAACTTCGAGTACGCCGTGGAGCGCGTCCTCGCAGGTACAGGG-3'
Protein context (NP_003110.1, residues 527-547): EAALHAAREG[His537Gln]TSVHTLNFEY

ClinVar aggregate classification (germline): Conflicting classifications of pathogenicity. Review status: criteria provided, conflicting classifications (1 of 4 stars). 4 submissions from 4 submitters: Uncertain significance (3); Likely benign (1). Last evaluated 2026-01-28.

Conditions:
Hereditary spastic paraplegia 7 (SPG7). Also called: Autosomal recessive spastic paraplegia type 7; SPG7-related neurologic disorder; Spastic paraplegia 7; Hereditary spastic paraplegia Paraplegin type; SPASTIC PARAPLEGIA 7, AUTOSOMAL RECESSIVE, WITH OR WITHOUT CEREBELLAR ATAXIA. Identifiers: Orphanet 99013, MedGen C1846564, MONDO:0011803, OMIM 607259.

Allele frequency attached by ClinVar (database versions not stated): gnomAD 0.00005 and 0.00006; TOPMed 0.00007; ESP Exome Variant Server 0.00008; ExAC 0.00010; gnomAD exomes 0.00013.

Submissions (4):

GeneDx
Classification: Uncertain significance. Last evaluated: 2026-01-28. Review status: criteria provided, single submitter. Criteria: GeneDx Variant Classification Process June 2021. Collection method: clinical testing. Allele origin: germline.
Comment: Has not been previously published as pathogenic or benign to our knowledge; In silico analysis suggests that this missense variant does not alter protein structure/function

Women's Health and Genetics/Laboratory Corporation of America, LabCorp
Classification: Uncertain significance. Last evaluated: 2025-02-13. Review status: criteria provided, single submitter. Criteria: LabCorp Variant Classification Summary - May 2015. Collection method: clinical testing. Allele origin: germline.
Comment: Variant summary: SPG7 c.1611C>G (p.His537Gln) results in a non-conservative amino acid change in the encoded protein sequence. Two of four in-silico tools predict a benign effect of the variant on protein function. The variant allele was found at a frequency of 0.00013 in 248330 control chromosomes (gnomAD). This frequency is not significantly higher than estimated for a pathogenic variant in SPG7 causing Hereditary Spastic Paraplegia 7, allowing no conclusion about variant significance. To our knowledge, no occurrence of c.1611C>G in individuals affected with Hereditary Spastic Paraplegia 7 and no experimental evidence demonstrating its impact on protein function have been reported. ClinVar contains an entry for this variant (Variation ID: 1012416). Based on the evidence outlined above, the variant was classified as uncertain significance.

Labcorp Genetics (formerly Invitae), Labcorp
Classification: Likely benign for Hereditary spastic paraplegia 7. Last evaluated: 2024-09-09. Review status: criteria provided, single submitter. Criteria: Invitae Variant Classification Sherloc (09022015). Collection method: clinical testing. Allele origin: germline.

CeGaT Center for Human Genetics Tuebingen
Classification: Uncertain significance. Last evaluated: 2020-11-01. Review status: criteria provided, single submitter. Criteria: CeGaT Center For Human Genetics Tuebingen Variant Classification Criteria Version 2. Collection method: clinical testing. Allele origin: germline. Affected: yes. Observed: 1 variant allele.